The following is an entry in ClinVar:

NM_015072.5(TTLL5):c.2760A>T (p.Gln920His)

Gene: TTLL5 (tubulin tyrosine ligase like 5; plus strand). Cytogenetic location: 14q24.3.
Variant type: single nucleotide variant.
Coding change: c.2760A>T on transcript NM_015072.5 (MANE Select); coding-DNA position 2760, A replaced by T.
Protein change: p.Gln920His; replaces glutamine 920 with histidine.
Molecular consequence: missense variant.
Genome position (GRCh38, 1-based): chr14:75,783,304, A>T. VCF-style: chr14-75783304-A-T. GRCh37 (hg19) VCF-style: chr14-76249647-A-T.
Other names: c.2760A>T (NM_015072.4); short protein forms Q920H.
Identifiers: ClinVar variation 1471260 (VCV001471260.9), dbSNP rs765493292, ClinGen allele CA7279807.

ClinVar aggregate classification (germline): Uncertain significance. Review status: criteria provided, multiple submitters, no conflicts (2 of 4 stars). 3 submissions from 3 submitters: Uncertain significance (3). Last evaluated 2024-11-22.

Conditions:
Inborn genetic diseases. Identifiers: MedGen C0950123, MeSH D030342.

gnomAD v4.1: 45 of 1,613,998 alleles (0.0028%); highest among the groups gnomAD compares: Non-Finnish European, 0.0036%; 1 homozygote.

Submissions (3):

Blueprint Genetics
Classification: Uncertain significance. Last evaluated: 2024-11-22. Review status: criteria provided, single submitter. Criteria: ACMG Guidelines, 2015. Collection method: clinical testing. Allele origin: germline.

Labcorp Genetics (formerly Invitae), Labcorp
Classification: Uncertain significance. Last evaluated: 2023-08-24. Review status: criteria provided, single submitter. Criteria: Invitae Variant Classification Sherloc (09022015). Collection method: clinical testing. Allele origin: germline.
Comment: In summary, the available evidence is currently insufficient to determine the role of this variant in disease. Therefore, it has been classified as a Variant of Uncertain Significance. Advanced modeling of protein sequence and biophysical properties (such as structural, functional, and spatial information, amino acid conservation, physicochemical variation, residue mobility, and thermodynamic stability) performed at Invitae indicates that this missense variant is not expected to disrupt TTLL5 protein function. ClinVar contains an entry for this variant (Variation ID: 1471260). This variant has not been reported in the literature in individuals affected with TTLL5-related conditions. This variant is present in population databases (rs765493292, gnomAD 0.01%). This sequence change replaces glutamine, which is neutral and polar, with histidine, which is basic and polar, at codon 920 of the TTLL5 protein (p.Gln920His).

Ambry Genetics
Classification: Uncertain significance for Inborn genetic diseases. Last evaluated: 2023-06-21. Review status: criteria provided, single submitter. Criteria: Ambry Variant Classification Scheme 2023. Collection method: clinical testing. Allele origin: germline.